The following is an entry in ClinVar:

ClinVar aggregate classification (germline): Uncertain significance (1 of 4 stars; one submission).

Submission:

Labcorp Genetics (formerly Invitae), Labcorp
Classification: Uncertain significance. Last evaluated: 2025-07-21. Review status: criteria provided, single submitter. Criteria: Invitae Variant Classification Sherloc (09022015). Collection method: clinical testing. Allele origin: germline.
Comment: This sequence change creates a premature translational stop signal (p.Gln323Lysfs*38) in the TLR7 gene. While this is not anticipated to result in nonsense mediated decay, it is expected to disrupt the last 727 amino acid(s) of the TLR7 protein. This variant is not present in population databases (gnomAD no frequency). This variant has not been reported in the literature in individuals affected with TLR7-related conditions. Experimental studies and prediction algorithms are not available or were not evaluated, and the functional significance of this variant is currently unknown. In summary, the available evidence is currently insufficient to determine the role of this variant in disease. Therefore, it has been classified as a Variant of Uncertain Significance.

NM_016562.4(TLR7):c.967del (p.Gln323fs)

Gene: TLR7 (toll like receptor 7; plus strand). Cytogenetic location: Xp22.2.
Variant type: Deletion.
Coding change: c.967del on transcript NM_016562.4 (MANE Select); coding-DNA position 967, one base deleted (C; older notation c.967delC).
Protein change: p.Gln323fs; shifts the reading frame from glutamine 323.
Molecular consequence: frameshift variant.
Genome position (GRCh38, 1-based): chrX:12,886,475, C deleted; the last of 3 consecutive C bases (chrX:12,886,473-12,886,475); deleting any one gives the same sequence. VCF-style (leftmost placement, unchanged base first): chrX-12886472-TC-T. GRCh37 (hg19) VCF-style: chrX-12904591-TC-T.
Other names: short protein forms Q323fs.
Identifiers: ClinVar variation 4723635 (VCV004723635.1).
Genomic context (GRCh38, chrX:12,886,472, plus strand): 5'-CTTCAGCATGTGCCCCCAAGATGGTTTAAGAACATCAACAAACTCCAGGAACTGGATCTG[TC>T]CCAAAACTTCTTGGCCAAAGAAATTGGGGATGCTAAATTTCTGCATTTTCTCCCCAGCCT-3'